The following is an entry in ClinVar:

NM_000440.3(PDE6A):c.2531del (p.Gly844fs)

Gene: PDE6A (phosphodiesterase 6A; minus strand). Cytogenetic location: 5q32.
Variant type: Deletion.
Coding change: c.2531del on transcript NM_000440.3 (MANE Select); coding-DNA position 2531, one base deleted (G; older notation c.2531delG).
Protein change: p.Gly844fs; shifts the reading frame from glycine 844.
Molecular consequence: frameshift variant.
Genome position (GRCh38, 1-based): chr5:149,860,947, C deleted on the plus strand (G on the coding strand, the reverse complement: PDE6A is on the minus strand); the first of 6 consecutive C bases (chr5:149,860,947-149,860,952); deleting any one gives the same sequence. VCF-style (leftmost placement, unchanged base first): chr5-149860946-TC-T. GRCh37 (hg19) VCF-style: chr5-149240509-TC-T.
Other names: short protein forms G844fs.
Identifiers: ClinVar variation 1010872 (VCV001010872.7), dbSNP rs769569931, ClinGen allele CA3504238.

ClinVar aggregate classification (germline): Uncertain significance. Review status: criteria provided, multiple submitters, no conflicts (2 of 4 stars). 3 submissions from 3 submitters: Uncertain significance (3). Last evaluated 2025-04-18.

Conditions:
Retinitis pigmentosa 43 (RP43). Identifiers: Orphanet 791, MedGen C3151139, MONDO:0013437, OMIM 613810.

Submissions (3):

Revvity Omics, Revvity
Classification: Uncertain significance for Retinitis pigmentosa 43. Last evaluated: 2025-04-18. Review status: criteria provided, single submitter. Criteria: ACMG Guidelines, 2015. Collection method: clinical testing. Allele origin: germline.

Labcorp Genetics (formerly Invitae), Labcorp
Classification: Uncertain significance. Last evaluated: 2024-12-16. Review status: criteria provided, single submitter. Criteria: Invitae Variant Classification Sherloc (09022015). Collection method: clinical testing. Allele origin: germline.
Comment: This sequence change results in a frameshift in the PDE6A gene (p.Gly844Glufs*48). While this is not anticipated to result in nonsense mediated decay, it is expected to disrupt the last 17 amino acid(s) of the PDE6A protein and extend the protein by 30 additional amino acid residues. This variant is present in population databases (rs769569931, gnomAD 0.05%). This variant has not been reported in the literature in individuals affected with PDE6A-related conditions. ClinVar contains an entry for this variant (Variation ID: 1010872). Experimental studies and prediction algorithms are not available or were not evaluated, and the functional significance of this variant is currently unknown. In summary, the available evidence is currently insufficient to determine the role of this variant in disease. Therefore, it has been classified as a Variant of Uncertain Significance.

Blueprint Genetics
Classification: Uncertain significance. Last evaluated: 2023-03-30. Review status: criteria provided, single submitter. Criteria: ACMG Guidelines, 2015. Collection method: clinical testing. Allele origin: germline.